The following is an entry in ClinVar:

ClinVar aggregate classification (germline): Likely benign. Review status: criteria provided, single submitter (1 of 4 stars). 2 submissions from 2 submitters: Likely benign (1). 1 of the submissions does not count toward it. Last evaluated 2019-12-31.

Conditions:
TENM4-related disorder. Also called: TENM4-related condition.

Allele frequency attached by ClinVar (database versions not stated): ESP Exome Variant Server 0.00008; gnomAD 0.00025; TOPMed 0.00026; 1000 Genomes Project 30x 0.00078; 1000 Genomes Project 0.00080.
gnomAD v4.1: 172 of 1,614,022 alleles (0.011%); highest among the groups gnomAD compares: East Asian, 0.28%; 1 homozygote.

Submissions (2):

Labcorp Genetics (formerly Invitae), Labcorp
Classification: Likely benign. Last evaluated: 2019-12-31. Review status: criteria provided, single submitter. Criteria: Invitae Variant Classification Sherloc (09022015). Collection method: clinical testing. Allele origin: germline.

PreventionGenetics, part of Exact Sciences
Classification: Likely benign for TENM4-related condition. Last evaluated: 2019-08-08. Review status: no assertion criteria provided. Collection method: clinical testing. Allele origin: germline. Not counted in ClinVar's aggregate classification.
Comment: This variant is classified as likely benign based on ACMG/AMP sequence variant interpretation guidelines (Richards et al. 2015 PMID: 25741868, with internal and published modifications).

NM_001098816.3(TENM4):c.8198G>A (p.Arg2733Gln)

Gene: TENM4 (teneurin transmembrane protein 4; minus strand). Cytogenetic location: 11q14.1.
Variant type: single nucleotide variant.
Coding change: c.8198G>A on transcript NM_001098816.3 (MANE Select); coding-DNA position 8198, G replaced by A.
Protein change: p.Arg2733Gln; replaces arginine 2733 with glutamine.
Molecular consequence: missense variant.
Genome position (GRCh38, 1-based): chr11:78,658,170, C>T on the plus strand (G>A on the coding strand, the complement: TENM4 is on the minus strand). VCF-style: chr11-78658170-C-T. GRCh37 (hg19) VCF-style: chr11-78369215-C-T.
Other names: short protein forms R2733Q.
Identifiers: ClinVar variation 798041 (VCV000798041.6), dbSNP rs185503085, ClinGen allele CA6206063.
Genomic context (GRCh38, chr11:78,658,170, plus strand): 5'-TCTGACAGTTCTGGGTACTGCTCGACAGAGATCACGAAAAAGCCGTCGTAGCCTTGCACC[C>T]GCCCTGTGCTCAGCACCTGCTGCTTCTCCCCCTCTGTCCAGGCCCGCAGGCCTTCCTCCC-3'
Protein context (NP_001092286.2, residues 2723-2743): GEKQQVLSTG[Arg2733Gln]VQGYDGFFVI